The following is an entry in ClinVar:

ClinVar aggregate classification (germline): Likely benign (1 of 4 stars; one submission).

Conditions:
Colorectal cancer, susceptibility to, 12 (CRCS12). Also called: COLORECTAL CANCER, SUSCEPTIBILITY TO, ON CHROMOSOME 12q24. Identifiers: Orphanet 220460, MedGen C3554460, MONDO:0014038, OMIM 615083.

gnomAD v4.1: 1 of 1,561,038 alleles (0.000064%); highest among the groups gnomAD compares: Admixed American, 0.0017%; no homozygotes.

Submission:

Myriad Genetics, Inc.
Classification: Likely benign for Colorectal cancer, susceptibility to, 12. Last evaluated: 2025-02-07. Review status: criteria provided, single submitter. Criteria: Myriad Autosomal Dominant, Autosomal Recessive and X-Linked Classification Criteria (2023). Collection method: clinical testing. Allele origin: unknown.
Comment: This variant is considered likely benign. This variant is intronic and is not expected to impact mRNA splicing.

NM_006231.4(POLE):c.910-12G>T

Gene: POLE (DNA polymerase epsilon, catalytic subunit; minus strand). Cytogenetic location: 12q24.33.
Variant type: single nucleotide variant.
Coding change: c.910-12G>T on transcript NM_006231.4 (MANE Select); 12 bases into the intron before coding-DNA position 910, G replaced by T.
Molecular consequence: intron variant.
Genome position (GRCh38, 1-based): chr12:132,676,216, C>A on the plus strand (G>T on the coding strand, the complement: POLE is on the minus strand). VCF-style: chr12-132676216-C-A. GRCh37 (hg19) VCF-style: chr12-133252802-C-A.
Identifiers: ClinVar variation 3904334 (VCV003904334.1).